The following is an entry in ClinVar:

ClinVar aggregate classification (germline): Uncertain significance. Review status: criteria provided, multiple submitters, no conflicts (2 of 4 stars). 4 submissions from 4 submitters: Uncertain significance (4). Last evaluated 2024-05-01.

Conditions:
Junctional epidermolysis bullosa with pyloric atresia. Also called: APLASIA CUTIS CONGENITA WITH GASTROINTESTINAL ATRESIA; Epidermolysis bullosa, junctional, with pyloric atresia and aplasia cutis congenita; Epidermolysis bullosa junctionalis with pyloric atresia; EPIDERMOLYSIS BULLOSA, JUNCTIONAL 5B, WITH PYLORIC ATRESIA; ITGB4-Related Epidermolysis Bullosa with Pyloric Atresia; Junctional Epidermolysis Bullosa- Pyloric Atresia Syndrome. Identifiers: Orphanet 79403, MedGen C5676875, MONDO:0009183, OMIM 226730.
Epidermolysis bullosa, junctional 5A, intermediate. Also called: EPIDERMOLYSIS BULLOSA, JUNCTIONAL 5A, GENERALIZED INTERMEDIATE; EPIDERMOLYSIS BULLOSA, JUNCTIONAL 5A, NON-HERLITZ TYPE. Identifiers: MedGen C5676956, MONDO:0030768, OMIM 619816.

Allele frequency attached by ClinVar (database versions not stated): ESP Exome Variant Server 0.00008; TOPMed 0.00019.
gnomAD v4.1: 288 of 1,613,696 alleles (0.018%); highest among the groups gnomAD compares: Non-Finnish European, 0.022%; no homozygotes.

Submissions (4):

CeGaT Center for Human Genetics Tuebingen
Classification: Uncertain significance. Last evaluated: 2024-05-01. Review status: criteria provided, single submitter. Criteria: CeGaT Center For Human Genetics Tuebingen Variant Classification Criteria Version 2. Collection method: clinical testing. Allele origin: germline. Affected: yes. Observed: 1 variant allele.
Comment: ITGB4: PM2

Fulgent Genetics
Classification: Uncertain significance for Junctional epidermolysis bullosa with pyloric atresia; Epidermolysis bullosa, junctional 5A, intermediate. Last evaluated: 2022-03-12. Review status: criteria provided, single submitter. Criteria: ACMG Guidelines, 2015. Collection method: clinical testing. Allele origin: unknown.

GeneDx
Classification: Uncertain significance. Last evaluated: 2021-01-29. Review status: criteria provided, single submitter. Criteria: GeneDx Variant Classification Process June 2021. Collection method: clinical testing. Allele origin: germline. Affected: yes.
Comment: Has not been previously published as pathogenic or benign to our knowledge; In silico analysis supports that this missense variant has a deleterious effect on protein structure/function

Illumina Laboratory Services, Illumina
Classification: Uncertain significance for Junctional epidermolysis bullosa with pyloric atresia. Last evaluated: 2018-01-12. Review status: criteria provided, single submitter. Criteria: ICSL Variant Classification Criteria 13 December 2019. Collection method: clinical testing. Allele origin: germline.

NM_000213.5(ITGB4):c.346C>T (p.Arg116Trp)

Gene: ITGB4 (integrin subunit beta 4; plus strand). Cytogenetic location: 17q25.1.
Variant type: single nucleotide variant.
Coding change: c.346C>T on transcript NM_000213.5 (MANE Select); coding-DNA position 346, C replaced by T.
Protein change: p.Arg116Trp; replaces arginine 116 with tryptophan.
Molecular consequence: missense variant.
Genome position (GRCh38, 1-based): chr17:75,727,732, C>T. VCF-style: chr17-75727732-C-T. GRCh37 (hg19) VCF-style: chr17-73723813-C-T.
Other names: c.346C>T, p.Arg116Trp (NM_001005619.2, NM_001005731.3, NM_001321123.2); short protein forms R116W.
Identifiers: ClinVar variation 890397 (VCV000890397.25), dbSNP rs146269824, ClinGen allele CA8768648.